The following is an entry in ClinVar:

NM_000214.3(JAG1):c.904A>T (p.Thr302Ser)

Gene: JAG1 (jagged canonical Notch ligand 1; minus strand). Cytogenetic location: 20p12.2.
Variant type: single nucleotide variant.
Coding change: c.904A>T on transcript NM_000214.3 (MANE Select); coding-DNA position 904, A replaced by T.
Protein change: p.Thr302Ser; replaces threonine 302 with serine.
Molecular consequence: missense variant.
Genome position (GRCh38, 1-based): chr20:10,652,233, T>A on the plus strand (A>T on the coding strand, the complement: JAG1 is on the minus strand). VCF-style: chr20-10652233-T-A. GRCh37 (hg19) VCF-style: chr20-10632881-T-A.
Other names: short protein forms T302S.
Identifiers: ClinVar variation 4746337 (VCV004746337.1).
Genomic context (GRCh38, chr20:10,652,233, plus strand): 5'-ACTGATATTTGTCAGGGCCTGTGTTGCTACAAGTTCCCCCGTTGAGACACGGCTGATGAG[T>A]CCCACAGTAATTGAGATCTGCCAAAAAGATCCTGGAGTCACTAAGAGACGCCTGTGAAGA-3'
Protein context (NP_000205.1, residues 292-312): LCDKDLNYCG[Thr302Ser]HQPCLNGGTC

ClinVar aggregate classification (germline): Uncertain significance (1 of 4 stars; one submission).

Conditions:
Alagille syndrome due to a JAG1 point mutation. Also called: HEPATIC DUCTULAR HYPOPLASIA, SYNDROMATIC; Alagille Syndrome 1; JAG1-Related Alagille Syndrome. Identifiers: Orphanet 261619, Orphanet 52, MedGen C1956125, MONDO:0016862, OMIM 118450.

Submission:

Labcorp Genetics (formerly Invitae), Labcorp
Classification: Uncertain significance for Alagille syndrome due to a JAG1 point mutation. Last evaluated: 2025-12-16. Review status: criteria provided, single submitter. Criteria: Invitae Variant Classification Sherloc (09022015). Collection method: clinical testing. Allele origin: germline.
Comment: This sequence change replaces threonine, which is neutral and polar, with serine, which is neutral and polar, at codon 302 of the JAG1 protein (p.Thr302Ser). This variant is not present in population databases (gnomAD no frequency). This variant has not been reported in the literature in individuals affected with JAG1-related conditions. Invitae Evidence Modeling of protein sequence and biophysical properties (such as structural, functional, and spatial information, amino acid conservation, physicochemical variation, residue mobility, and thermodynamic stability) indicates that this missense variant is not expected to disrupt JAG1 protein function with a negative predictive value of 95%. In summary, the available evidence is currently insufficient to determine the role of this variant in disease. Therefore, it has been classified as a Variant of Uncertain Significance.